The following is an entry in ClinVar:

NM_002017.5(FLI1):c.233A>T (p.Glu78Val)

Gene: FLI1 (Fli-1 proto-oncogene, ETS transcription factor; plus strand). Cytogenetic location: 11q24.3.
Variant type: single nucleotide variant.
Coding change: c.233A>T on transcript NM_002017.5 (MANE Select); coding-DNA position 233, A replaced by T.
Protein change: p.Glu78Val; replaces glutamic acid 78 with valine.
Molecular consequence: missense variant. On other transcripts: intron variant (1).
Genome position (GRCh38, 1-based): chr11:128,768,120, A>T. VCF-style: chr11-128768120-A-T. GRCh37 (hg19) VCF-style: chr11-128638015-A-T.
Other names: c.134A>T, p.Glu45Val (NM_001167681.3, NM_001440369.1, NM_001440370.1 and 1 more transcripts); c.35A>T, p.Glu12Val (NM_001271010.2); c.233A>T, p.Glu78Val (NM_001440372.1); c.10+9794A>T (NM_001271012.2); c.233A>T (NM_002017.4); short protein forms E12V, E78V, E45V.
Identifiers: ClinVar variation 4620068 (VCV004620068.2).

ClinVar aggregate classification (germline): Uncertain significance. Review status: criteria provided, multiple submitters, no conflicts (2 of 4 stars). 2 submissions from 2 submitters: Uncertain significance (2). Last evaluated 2025-10-07.

Conditions:
FLI1-related disorder. Also called: FLI1-related condition.
Inborn genetic diseases. Identifiers: MedGen C0950123, MeSH D030342.

gnomAD v4.1: 3 of 1,610,242 alleles (0.00019%); highest among the groups gnomAD compares: Non-Finnish European, 0.00025%; no homozygotes.

Submissions (2):

Ambry Genetics
Classification: Uncertain significance for Inborn genetic diseases. Last evaluated: 2025-10-07. Review status: criteria provided, single submitter. Criteria: Ambry Variant Classification Scheme 2023. Collection method: clinical testing. Allele origin: germline.

PreventionGenetics, part of Exact Sciences
Classification: Uncertain significance for FLI1-related condition. Last evaluated: 2025-02-13. Review status: criteria provided, single submitter. Criteria: ACMG Guidelines, 2015. Collection method: clinical testing. Allele origin: germline.
Comment: The FLI1 c.233A>T variant is predicted to result in the amino acid substitution p.Glu78Val. To our knowledge, this variant has not been reported in the literature. This variant is reported in 0.0065% of alleles in individuals of European (Non-Finnish) descent in gnomAD. At this time, the clinical significance of this variant is uncertain due to the absence of conclusive functional and genetic evidence.